The following is an entry in ClinVar:

ClinVar aggregate classification (germline): Pathogenic (1 of 4 stars; one submission).

Conditions:
Cholestanol storage disease (CTX). Also called: Cerebrotendinous Xanthomatosis; CTX: Cerebrotendinous xanthomatosis; CEREBRAL CHOLESTERINOSIS. Identifiers: Orphanet 909, MedGen C0238052, MONDO:0008948, OMIM 213700.

Submission:

Labcorp Genetics (formerly Invitae), Labcorp
Classification: Pathogenic for Cholestanol storage disease. Last evaluated: 2023-12-10. Review status: criteria provided, single submitter. Criteria: Invitae Variant Classification Sherloc (09022015). Collection method: clinical testing. Allele origin: germline.
Comment: This sequence change creates a premature translational stop signal (p.Gln85*) in the CYP27A1 gene. It is expected to result in an absent or disrupted protein product. Loss-of-function variants in CYP27A1 are known to be pathogenic (PMID: 9392430, 10775536, 26937392). This variant is not present in population databases (gnomAD no frequency). This variant has not been reported in the literature in individuals affected with CYP27A1-related conditions. ClinVar contains an entry for this variant (Variation ID: 1393992). For these reasons, this variant has been classified as Pathogenic.

Literature cited by the submitters: PubMed 9392430; PubMed 10775536; PubMed 26937392.

NM_000784.4(CYP27A1):c.253C>T (p.Gln85Ter)

Gene: CYP27A1 (cytochrome P450 family 27 subfamily A member 1; plus strand). Cytogenetic location: 2q35.
Variant type: single nucleotide variant.
Coding change: c.253C>T on transcript NM_000784.4 (MANE Select); coding-DNA position 253, C replaced by T.
Protein change: p.Gln85Ter; replaces glutamine 85 with a stop codon.
Molecular consequence: nonsense.
Genome position (GRCh38, 1-based): chr2:218,782,435, C>T. VCF-style: chr2-218782435-C-T. GRCh37 (hg19) VCF-style: chr2-219647158-C-T.
Other names: short protein forms Q85*.
Identifiers: ClinVar variation 1393992 (VCV001393992.6), dbSNP rs1333458369, ClinGen allele CA350577096.